The following is an entry in ClinVar:

ClinVar aggregate classification (germline): Benign. Review status: criteria provided, single submitter (1 of 4 stars). 2 submissions from 2 submitters: Benign (1). 1 of the submissions does not count toward it. Last evaluated 2019-12-31.

Conditions:
DISC1-related disorder. Also called: DISC1-related condition.

Allele frequency attached by ClinVar (database versions not stated): gnomAD exomes 0.00055 and 0.00023; 1000 Genomes Project 0.00359; ESP Exome Variant Server 0.00254; 1000 Genomes Project 30x 0.00344; ExAC 0.00073; gnomAD 0.00254 and 0.00272; TOPMed 0.00266.
gnomAD v4.1: 729 of 1,614,268 alleles (0.045%); highest among the groups gnomAD compares: African/African-American, 0.89%; 6 homozygotes.

Submissions (2):

Labcorp Genetics (formerly Invitae), Labcorp
Classification: Benign. Last evaluated: 2019-12-31. Review status: criteria provided, single submitter. Criteria: Invitae Variant Classification Sherloc (09022015). Collection method: clinical testing. Allele origin: germline.

PreventionGenetics, part of Exact Sciences
Classification: Likely benign for DISC1-related condition. Last evaluated: 2023-12-28. Review status: no assertion criteria provided. Collection method: clinical testing. Allele origin: germline. Not counted in ClinVar's aggregate classification.
Comment: This variant is classified as likely benign based on ACMG/AMP sequence variant interpretation guidelines (Richards et al. 2015 PMID: 25741868, with internal and published modifications).

NM_018662.3(DISC1):c.555C>T (p.Asn185=)

Genes: DISC1 (DISC1 scaffold protein; plus strand), TSNAX-DISC1 (TSNAX-DISC1 readthrough (NMD candidate); plus strand). Cytogenetic location: 1q42.2.
Variant type: single nucleotide variant.
Coding change: c.555C>T on transcript NM_018662.3 (MANE Select); coding-DNA position 555, C replaced by T.
Protein change: p.Asn185=; no amino-acid change (asparagine 185 retained).
Molecular consequence: synonymous variant. On other transcripts: non-coding transcript variant (8), intron variant (1).
Genome position (GRCh38, 1-based): chr1:231,694,313, C>T. VCF-style: chr1-231694313-C-T. GRCh37 (hg19) VCF-style: chr1-231830059-C-T.
Other names: c.555C>T, p.Asn185= (NM_001012957.2, NM_001012958.2, NM_001012959.2 and 18 more transcripts); c.68-55613C>T (NM_001164556.2).
Identifiers: ClinVar variation 720906 (VCV000720906.6), dbSNP rs139667828, ClinGen allele CA1453621.